The following is an entry in ClinVar:

NM_000548.5(TSC2):c.2239C>T (p.Leu747=)

Gene: TSC2 (TSC complex subunit 2; plus strand). Cytogenetic location: 16p13.3.
Variant type: single nucleotide variant.
Coding change: c.2239C>T on transcript NM_000548.5 (MANE Select); coding-DNA position 2239, C replaced by T.
Protein change: p.Leu747=; no amino-acid change (leucine 747 retained).
Molecular consequence: synonymous variant.
Genome position (GRCh38, 1-based): chr16:2,072,867, C>T. VCF-style: chr16-2072867-C-T. GRCh37 (hg19) VCF-style: chr16-2122868-C-T.
Other names: p.L747L:CTG>TTG; p.Leu747=; c.2239C>T, p.Leu747= (NM_001077183.3, NM_001114382.3, NM_001363528.2 and 3 more transcripts); c.2128C>T, p.Leu710= (NM_001318827.2); c.2092C>T, p.Leu698= (NM_001318829.2); c.1639C>T, p.Leu547= (NM_001318831.2); c.2272C>T, p.Leu758= (NM_001318832.2); c.2239C>T (NM_000548.4).
Identifiers: ClinVar variation 49611 (VCV000049611.32), dbSNP rs45517221, ClinGen allele CA017061.

ClinVar aggregate classification (germline): Benign/Likely benign. Review status: criteria provided, multiple submitters, no conflicts (2 of 4 stars). 17 submissions from 17 submitters: Benign (14); Likely benign (2). 1 of the submissions does not count toward it. Last evaluated 2026-02-04.

Conditions:
Hereditary cancer-predisposing syndrome. Also called: Neoplastic Syndromes, Hereditary; Tumor predisposition; Hereditary Cancer Syndrome; Hereditary neoplastic syndrome. Identifiers: Orphanet 140162, MedGen C0027672, MeSH D009386, MONDO:0015356.
Tuberous sclerosis syndrome (TSC). Also called: Tuberous Sclerosis Complex; Tuberous sclerosis. Identifiers: Orphanet 805, MedGen C0041341, MONDO:0001734.
Tuberous sclerosis 2 (TSC2). Identifiers: Orphanet 805, MedGen C1860707, MONDO:0013199, OMIM 613254.

Allele frequency attached by ClinVar (database versions not stated): ESP Exome Variant Server 0.00477; gnomAD 0.00480; TOPMed 0.00501; 1000 Genomes Project 0.00579; 1000 Genomes Project 30x 0.00593; ExAC 0.00153; gnomAD exomes 0.00122.

Submissions (17):

Labcorp Genetics (formerly Invitae), Labcorp
Classification: Benign for Tuberous sclerosis 2. Last evaluated: 2026-02-04. Review status: criteria provided, single submitter. Criteria: Invitae Variant Classification Sherloc (09022015). Collection method: clinical testing. Allele origin: germline.

Mayo Clinic Laboratories, Mayo Clinic
Classification: Likely benign. Last evaluated: 2025-08-14. Review status: criteria provided, single submitter. Criteria: ACMG Guidelines, 2015. Collection method: clinical testing. Allele origin: germline. Observed: 9 variant alleles.
Comment: BS1, BP4, BP7

Myriad Genetics, Inc.
Classification: Benign for Tuberous sclerosis 2. Last evaluated: 2025-05-19. Review status: criteria provided, single submitter. Criteria: Myriad Autosomal Dominant, Autosomal Recessive and X-Linked Classification Criteria (2023). Collection method: clinical testing. Allele origin: unknown.
Comment: This variant is considered benign. This variant is a silent/synonymous amino acid change and it is not expected to impact splicing.

KCCC/NGS Laboratory, Kuwait Cancer Control Center
Classification: Benign for Tuberous sclerosis 2. Last evaluated: 2025-02-01. Review status: criteria provided, single submitter. Criteria: ACMG Guidelines, 2015. Collection method: clinical testing. Allele origin: germline. Affected: no.

Athena Diagnostics
Classification: Benign. Last evaluated: 2024-10-15. Review status: criteria provided, single submitter. Criteria: Athena Diagnostics Criteria. Collection method: clinical testing. Allele origin: unknown.

Blueprint Genetics
Classification: Benign. Last evaluated: 2024-10-08. Review status: criteria provided, single submitter. Criteria: ACMG Guidelines, 2015. Collection method: clinical testing. Allele origin: germline.

ARUP Laboratories, Molecular Genetics and Genomics, ARUP Laboratories
Classification: Benign. Last evaluated: 2024-06-06. Review status: criteria provided, single submitter. Criteria: ARUP Molecular Germline Variant Investigation Process 2024. Collection method: clinical testing. Allele origin: germline.

All of Us Research Program, National Institutes of Health
Classification: Benign for Tuberous sclerosis syndrome. Last evaluated: 2024-02-05. Review status: criteria provided, single submitter. Criteria: ACMG Guidelines, 2015. Collection method: clinical testing. Allele origin: germline. Inheritance: Autosomal dominant inheritance. Observed: 267 variant alleles, 265 heterozygotes, 2 homozygotes.
Comment: This study involves interpretation of variants in research participants for the purpose of population health screening. Participant phenotype was not available at the time of variant classification. Additional details can be found in publication PMID: 35346344, PMCID: PMC8962531

Color Diagnostics, LLC DBA Color Health
Classification: Benign for Tuberous sclerosis syndrome. Last evaluated: 2022-09-25. Review status: criteria provided, single submitter. Criteria: ACMG Guidelines, 2015. Collection method: clinical testing. Allele origin: germline.

Genome-Nilou Lab
Classification: Benign for Tuberous sclerosis 2. Last evaluated: 2021-11-07. Review status: criteria provided, single submitter. Criteria: ACMG Guidelines, 2015. Collection method: clinical testing. Allele origin: germline. Affected: no.

Genetic Services Laboratory, University of Chicago
Classification: Benign. Last evaluated: 2021-07-27. Review status: criteria provided, single submitter. Criteria: ACMG Guidelines, 2015. Collection method: clinical testing. Allele origin: germline. Affected: no.

Sema4
Classification: Benign for Hereditary cancer-predisposing syndrome. Last evaluated: 2020-09-10. Review status: criteria provided, single submitter. Criteria: Sema4 Curation Guidelines. Collection method: curation. Allele origin: germline.

Illumina Laboratory Services, Illumina
Classification: Likely benign for Tuberous sclerosis syndrome. Last evaluated: 2018-03-12. Review status: criteria provided, single submitter. Criteria: ICSL Variant Classification Criteria 13 December 2019. Collection method: clinical testing. Allele origin: germline.
Comment: This variant was observed as part of a predisposition screen in an ostensibly healthy population. A literature search was performed for the gene, cDNA change, and amino acid change (where applicable). No publications were found based on this search. Allele frequency data from public databases allowed determination this variant is unlikely to cause disease. Therefore, this variant is classified as likely benign.

Ambry Genetics
Classification: Benign for Hereditary cancer-predisposing syndrome. Last evaluated: 2014-12-09. Review status: criteria provided, single submitter. Criteria: Ambry Variant Classification Scheme 2023. Collection method: clinical testing. Allele origin: germline.

GeneDx
Classification: Benign. Last evaluated: 2014-02-12. Review status: criteria provided, single submitter. Criteria: GeneDx Variant Classification (06012015). Collection method: clinical testing. Allele origin: germline. Affected: yes.
Comment: This variant is considered likely benign or benign based on one or more of the following criteria: it is a conservative change, it occurs at a poorly conserved position in the protein, it is predicted to be benign by multiple in silico algorithms, and/or has population frequency not consistent with disease.

PreventionGenetics, part of Exact Sciences
Classification: Benign. Review status: criteria provided, single submitter. Criteria: ACMG Guidelines, 2015. Collection method: clinical testing. Allele origin: germline.

Tuberous sclerosis database (TSC2)
No classification provided. Condition: TSC. Review status: no classification provided. Criteria: Tuberous Sclerosis Database Assertion Criteria 2015. Collection method: curation. Allele origin: germline. Affected: yes. Not counted in ClinVar's aggregate classification.